The following is an entry in ClinVar:

NM_014679.5(CEP57):c.967A>C (p.Asn323His)

Gene: CEP57 (centrosomal protein 57; plus strand). Cytogenetic location: 11q21.
Variant type: single nucleotide variant.
Coding change: c.967A>C on transcript NM_014679.5 (MANE Select); coding-DNA position 967, A replaced by C.
Protein change: p.Asn323His; replaces asparagine 323 with histidine.
Molecular consequence: missense variant.
Genome position (GRCh38, 1-based): chr11:95,827,867, A>C. VCF-style: chr11-95827867-A-C. GRCh37 (hg19) VCF-style: chr11-95561031-A-C.
Other names: c.940A>C, p.Asn314His (NM_001243776.2); c.889A>C, p.Asn297His (NM_001243777.2); c.886A>C, p.Asn296His (NM_001363604.2); short protein forms N296H, N297H, N323H, N314H.
Identifiers: ClinVar variation 4000985 (VCV004000985.1).

ClinVar aggregate classification (germline): Uncertain significance (1 of 4 stars; one submission).

Conditions:
Inborn genetic diseases. Identifiers: MedGen C0950123, MeSH D030342.

Submission:

Ambry Genetics
Classification: Uncertain significance for Inborn genetic diseases. Last evaluated: 2025-03-27. Review status: criteria provided, single submitter. Criteria: Ambry Variant Classification Scheme 2023. Collection method: clinical testing. Allele origin: germline.
Comment: The p.N323H variant (also known as c.967A>C), located in coding exon 9 of the CEP57 gene, results from an A to C substitution at nucleotide position 967. The asparagine at codon 323 is replaced by histidine, an amino acid with similar properties. This amino acid position is conserved. In addition, this alteration is predicted to be tolerated by in silico analysis. Based on the available evidence, the clinical significance of this variant remains unclear.